The following is an entry in ClinVar:

NM_005631.5(SMO):c.2062C>T (p.Pro688Ser)

Gene: SMO (smoothened, frizzled class receptor; plus strand). Cytogenetic location: 7q32.1.
Variant type: single nucleotide variant.
Coding change: c.2062C>T on transcript NM_005631.5 (MANE Select); coding-DNA position 2062, C replaced by T.
Protein change: p.Pro688Ser; replaces proline 688 with serine.
Molecular consequence: missense variant.
Genome position (GRCh38, 1-based): chr7:129,212,149, C>T. VCF-style: chr7-129212149-C-T. GRCh37 (hg19) VCF-style: chr7-128851990-C-T.
Other names: short protein forms P688S.
Identifiers: ClinVar variation 3600496 (VCV003600496.1).

ClinVar aggregate classification (germline): Uncertain significance (1 of 4 stars; one submission).

Conditions:
Congenital hypothalamic hamartoma syndrome. Also called: PALLISTER-HALL-LIKE SYNDROME. Identifiers: MedGen C5435677, MONDO:0009436, OMIM 241800.

Submission:

Clinical Genomics Laboratory, Washington University in St. Louis
Classification: Uncertain significance for Congenital hypothalamic hamartoma syndrome. Last evaluated: 2024-11-27. Review status: criteria provided, single submitter. Criteria: ACMG Guidelines, 2015. Collection method: clinical testing. Allele origin: germline.
Comment: A SMO c.2062C>T (p.Pro688Ser) variant was identified at a near heterozygous allelic fraction of 48.9%, a frequency which may be consistent with it being of germline origin. To our knowledge, it has not been reported in the medical literature. This variant is only observed on 5/1,556,586 alleles in the general population (gnomAD v.4.1.0), indicating it is not a common variant. Computational predictors suggest that the c.2062C>T (p.Pro688Ser) variant does not impact SMO function. Due to limited information, and based on ACMG/AMP guidelines for variant interpretation (Richards S et al., PMID: 25741868), the clinical significance of this variant is uncertain at this time.